The following is an entry in ClinVar:

ClinVar aggregate classification (germline): Pathogenic/Likely pathogenic. Review status: criteria provided, multiple submitters, no conflicts (2 of 4 stars). 7 submissions from 7 submitters: Pathogenic (2); Likely pathogenic (3). 2 of the submissions do not count toward it. Last evaluated 2026-09-04.

Conditions:
DUOX2-related disorder. Also called: DUOX2-related condition.
Familial thyroid dyshormonogenesis. Identifiers: Orphanet 95716, MedGen C4273748, MONDO:0010132.
Thyroid dyshormonogenesis 6 (TDH6). Also called: THYROID HORMONOGENESIS, GENETIC DEFECT IN, 6; HYPOTHYROIDISM, CONGENITAL, DUE TO DYSHORMONOGENESIS, 6; Genetic transient congenital hypothyroidism. Identifiers: Orphanet 226316, Orphanet 95716, MedGen C1846632, MONDO:0011792, OMIM 607200.
Congenital hypothyroidism. Identifiers: Orphanet 442, MedGen C0010308, MONDO:0018612, HP:0000851.

Allele frequency attached by ClinVar (database versions not stated): gnomAD exomes 0.00004 and 0.00008; TOPMed 0.00010; ExAC 0.00012; gnomAD 0.00014; 1000 Genomes Project 0.00040; 1000 Genomes Project 30x 0.00047.
gnomAD v4.1: 83 of 1,614,074 alleles (0.0051%); highest among the groups gnomAD compares: African/African-American, 0.023%; no homozygotes.

Submissions (7):

PreventionGenetics, part of Exact Sciences
Classification: Likely pathogenic for DUOX2-related condition. Last evaluated: 2026-09-04. Review status: criteria provided, single submitter. Criteria: ACMG Guidelines, 2015. Collection method: clinical testing. Allele origin: germline.
Comment: The DUOX2 c.1126C>T variant is predicted to result in the amino acid substitution p.Arg376Trp. This variant has been reported in the compound heterozygous state in two siblings with persistent mild hypothyroidism (Vigone et al. 2005. PubMed ID: 16134168) and in another individual with congenital hypothyroidism (Patients ID: 16, Wang et al. 2020. PubMed ID: 32319661). This variant has also been reported in the heterozygous state in an individual with congenital hypothyroidism (N45, Makretskaya et al. 2018. PubMed ID: 30240412). This variant is reported in 0.016% of alleles in individuals of African descent in gnomAD and is reported as pathogenic/likely pathogenic in ClinVar (Variation ID:4065). This variant is interpreted as likely pathogenic.

Cambridge Genomics Laboratory, East Genomic Laboratory Hub, NHS Genomic Medicine Service
Classification: Likely pathogenic for Congenital hypothyroidism. Last evaluated: 2026-08-13. Review status: criteria provided, single submitter. Criteria: ACGS Best Practice Guidelines for Variant Classification in Rare Disease 2020. Collection method: clinical testing. Allele origin: germline. Affected: yes.
Comment: PM3_Mod, PM2_Mod, PS3_Supp and PP3_Supp

Labcorp Genetics (formerly Invitae), Labcorp
Classification: Pathogenic. Last evaluated: 2026-01-26. Review status: criteria provided, single submitter. Criteria: Invitae Variant Classification Sherloc (09022015). Collection method: clinical testing. Allele origin: germline.
Comment: This sequence change replaces arginine, which is basic and polar, with tryptophan, which is neutral and slightly polar, at codon 376 of the DUOX2 protein (p.Arg376Trp). This variant is present in population databases (rs119472029, gnomAD 0.02%). This missense change has been observed in individual(s) with congenital hypothyroidism (PMID: 16134168, 22336364, 30240412). In at least one individual the data is consistent with being in trans (on the opposite chromosome) from a pathogenic variant. It has also been observed to segregate with disease in related individuals. ClinVar contains an entry for this variant (Variation ID: 4065). Invitae Evidence Modeling of protein sequence and biophysical properties (such as structural, functional, and spatial information, amino acid conservation, physicochemical variation, residue mobility, and thermodynamic stability) indicates that this missense variant is expected to disrupt DUOX2 protein function with a positive predictive value of 80%. Experimental studies have shown that this missense change affects DUOX2 function (PMID: 17374849). For these reasons, this variant has been classified as Pathogenic.

GeneDx
Classification: Likely pathogenic. Last evaluated: 2023-02-27. Review status: criteria provided, single submitter. Criteria: GeneDx Variant Classification Process June 2021. Collection method: clinical testing. Allele origin: germline. Affected: yes.
Comment: Published functional studies demonstrate a damaging effect (Grasberger et al., 2007); In silico analysis supports that this missense variant has a deleterious effect on protein structure/function; This variant is associated with the following publications: (PMID: 34426522, 31589614, 30240412, 34200080, 33490161, 16134168, 22336364, 33651715, 21704604, 17374849, 32319661, 33562188)

Department of Pathology and Laboratory Medicine, Sinai Health System
Classification: Pathogenic for Familial thyroid dyshormonogenesis; Thyroid dyshormonogenesis 6. Last evaluated: 2023-01-24. Review status: criteria provided, single submitter. Criteria: ACMG Guidelines, 2015. Collection method: research. Allele origin: germline.

Clinical Genetics Laboratory, University Hospital Schleswig-Holstein
Classification: Likely pathogenic for Thyroid dyshormonogenesis 6. Last evaluated: 2021-01-15. Review status: no assertion criteria provided. Collection method: clinical testing. Allele origin: germline. Affected: yes. Not counted in ClinVar's aggregate classification.

OMIM
Classification: Pathogenic for THYROID DYSHORMONOGENESIS 6. Last evaluated: 2005-10-01. Review status: no assertion criteria provided. Collection method: literature only. Allele origin: germline. Not counted in ClinVar's aggregate classification.

Literature cited by the submitters: PubMed 16134168 (cited by Labcorp Genetics (formerly Invitae), Labcorp and OMIM); PubMed 22336364 (cited by Labcorp Genetics (formerly Invitae), Labcorp); PubMed 30240412 (cited by Labcorp Genetics (formerly Invitae), Labcorp); PubMed 17374849 (cited by Labcorp Genetics (formerly Invitae), Labcorp).

NM_001363711.2(DUOX2):c.1126C>T (p.Arg376Trp)

Gene: DUOX2 (dual oxidase 2; minus strand). Cytogenetic location: 15q21.1.
Variant type: single nucleotide variant.
Coding change: c.1126C>T on transcript NM_001363711.2 (MANE Select); coding-DNA position 1126, C replaced by T.
Protein change: p.Arg376Trp; replaces arginine 376 with tryptophan.
Molecular consequence: missense variant.
Genome position (GRCh38, 1-based): chr15:45,109,895, G>A on the plus strand (C>T on the coding strand, the complement: DUOX2 is on the minus strand). VCF-style: chr15-45109895-G-A. GRCh37 (hg19) VCF-style: chr15-45402093-G-A.
Other names: c.1126C>T (NM_014080.4); c.1126C>T, p.Arg376Trp (NM_014080.5); short protein forms R376W.
Identifiers: ClinVar variation 4065 (VCV000004065.15), dbSNP rs119472029, ClinGen allele CA116642.